The following is an entry in ClinVar:

NM_020778.5(ALPK3):c.3562A>G (p.Ser1188Gly)

Gene: ALPK3 (alpha kinase 3; plus strand). Cytogenetic location: 15q25.3.
Variant type: single nucleotide variant.
Coding change: c.3562A>G on transcript NM_020778.5 (MANE Select); coding-DNA position 3562, A replaced by G.
Protein change: p.Ser1188Gly; replaces serine 1188 with glycine.
Molecular consequence: missense variant.
Genome position (GRCh38, 1-based): chr15:84,858,300, A>G. VCF-style: chr15-84858300-A-G. GRCh37 (hg19) VCF-style: chr15-85401531-A-G.
Other names: short protein forms S1188G.
Identifiers: ClinVar variation 2126584 (VCV002126584.4), dbSNP rs760085338, ClinGen allele CA7709660.

ClinVar aggregate classification (germline): Uncertain significance (1 of 4 stars; one submission).

Allele frequency attached by ClinVar (database versions not stated): TOPMed below 0.00001; gnomAD exomes 0.00001; ExAC 0.00003.

Submission:

Labcorp Genetics (formerly Invitae), Labcorp
Classification: Uncertain significance. Last evaluated: 2022-10-13. Review status: criteria provided, single submitter. Criteria: Invitae Variant Classification Sherloc (09022015). Collection method: clinical testing. Allele origin: germline.
Comment: This sequence change replaces serine, which is neutral and polar, with glycine, which is neutral and non-polar, at codon 1390 of the ALPK3 protein (p.Ser1390Gly). The frequency data for this variant in the population databases is considered unreliable, as metrics indicate poor data quality at this position in the gnomAD database. This variant has not been reported in the literature in individuals affected with ALPK3-related conditions. Advanced modeling of protein sequence and biophysical properties (such as structural, functional, and spatial information, amino acid conservation, physicochemical variation, residue mobility, and thermodynamic stability) performed at Invitae indicates that this missense variant is expected to disrupt ALPK3 protein function. In summary, the available evidence is currently insufficient to determine the role of this variant in disease. Therefore, it has been classified as a Variant of Uncertain Significance.